The following is an entry in ClinVar:

NM_001195553.2(DCX):c.-22-558T>G

Gene: DCX (doublecortin; minus strand). Cytogenetic location: Xq23.
Variant type: single nucleotide variant.
Coding change: c.-22-558T>G on transcript NM_001195553.2 (MANE Select); 558 bases into the intron before 22 bases upstream of the start codon, T replaced by G.
Molecular consequence: intron variant. On other transcripts: 5 prime UTR variant (1).
Genome position (GRCh38, 1-based): chrX:111,410,978, A>C on the plus strand (T>G on the coding strand, the complement: DCX is on the minus strand). VCF-style: chrX-111410978-A-C. GRCh37 (hg19) VCF-style: chrX-110654206-A-C.
Other names: c.-4T>G (NM_000555.3); c.-22-558T>G (NM_001369373.1, NM_178153.3, NM_001369372.1 and 6 more transcripts).
Identifiers: ClinVar variation 3046001 (VCV003046001.2), dbSNP rs371169897, ClinGen allele CA10493386.

ClinVar aggregate classification (germline): Likely benign (0 of 4 stars; one submission).

Conditions:
DCX-related disorder. Also called: DCX-Related Disorders; DCX-related condition. Identifiers: MedGen CN381525.

Allele frequency attached by ClinVar (database versions not stated): TOPMed 0.00015; gnomAD 0.00022; 1000 Genomes Project 0.00026; gnomAD exomes 0.00026; ESP Exome Variant Server 0.00028; 1000 Genomes Project 30x 0.00042; ExAC 0.00014.
gnomAD v4.1: 300 of 1,193,895 alleles (0.025%); highest among the groups gnomAD compares: Non-Finnish European, 0.033%; no homozygotes.

Submission:

PreventionGenetics, part of Exact Sciences
Classification: Likely benign for DCX-related condition. Last evaluated: 2021-02-23. Review status: no assertion criteria provided. Collection method: clinical testing. Allele origin: germline.
Comment: This variant is classified as likely benign based on ACMG/AMP sequence variant interpretation guidelines (Richards et al. 2015 PMID: 25741868, with internal and published modifications).